The following is an entry in ClinVar:

ClinVar aggregate classification (germline): Pathogenic (1 of 4 stars; one submission).

Submission:

GeneDx
Classification: Pathogenic. Last evaluated: 2015-10-30. Review status: criteria provided, single submitter. Criteria: GeneDx Variant Classification (06012015). Collection method: clinical testing. Allele origin: germline. Affected: yes.
Comment: The L58X pathogenic variant in the SMAD2 gene has not been reported previously as a pathogenicvariant nor as a benign variant, to our knowledge. This variant is predicted to cause loss of normalprotein function either through protein truncation or nonsense-mediated mRNA decay. The L58X variant was not observed in approximately 6,500 individuals of European and African Americanancestry in the NHLBI Exome Sequencing Project, indicating it is not a common benign variant inthese populations. We interpret L58X as a pathogenic variant.

NM_005901.6(SMAD2):c.173T>A (p.Leu58Ter)

Gene: SMAD2 (SMAD family member 2; minus strand). Cytogenetic location: 18q21.1.
Variant type: single nucleotide variant.
Coding change: c.173T>A on transcript NM_005901.6 (MANE Select); coding-DNA position 173, T replaced by A.
Protein change: p.Leu58Ter; replaces leucine 58 with a stop codon.
Molecular consequence: nonsense.
Genome position (GRCh38, 1-based): chr18:47,896,584, A>T on the plus strand (T>A on the coding strand, the complement: SMAD2 is on the minus strand). VCF-style: chr18-47896584-A-T. GRCh37 (hg19) VCF-style: chr18-45422955-A-T.
Other names: c.173T>A, p.Leu58Ter (NM_001003652.4, NM_001135937.3); short protein forms L58*.
Identifiers: ClinVar variation 430050 (VCV000430050.2), dbSNP rs1131691755, ClinGen allele CA402502947.